The following is an entry in ClinVar:

ClinVar aggregate classification (germline): Uncertain significance (1 of 4 stars; one submission).

Conditions:
Cowden syndrome 7 (CWS7). Identifiers: Orphanet 201, MedGen C4225179, MONDO:0014802, OMIM 616858.
Congenital dyserythropoietic anemia, type II (CDAN2). Also called: DYSERYTHROPOIETIC ANEMIA, HEMPAS TYPE. Identifiers: Orphanet 98873, MedGen C1306589, MONDO:0009134, OMIM 224100.

gnomAD v4.1: 6 of 1,614,120 alleles (0.00037%); highest among the groups gnomAD compares: South Asian, 0.0044%; no homozygotes.

Submission:

Labcorp Genetics (formerly Invitae), Labcorp
Classification: Uncertain significance for Congenital dyserythropoietic anemia, type II; Cowden syndrome 7. Last evaluated: 2025-05-27. Review status: criteria provided, single submitter. Criteria: Invitae Variant Classification Sherloc (09022015). Collection method: clinical testing. Allele origin: germline.
Comment: This sequence change replaces threonine, which is neutral and polar, with alanine, which is neutral and non-polar, at codon 456 of the SEC23B protein (p.Thr456Ala). This variant is present in population databases (rs779433485, gnomAD 0.003%). This variant has not been reported in the literature in individuals affected with SEC23B-related conditions. Invitae Evidence Modeling of protein sequence and biophysical properties (such as structural, functional, and spatial information, amino acid conservation, physicochemical variation, residue mobility, and thermodynamic stability) indicates that this missense variant is not expected to disrupt SEC23B protein function with a negative predictive value of 95%. In summary, the available evidence is currently insufficient to determine the role of this variant in disease. Therefore, it has been classified as a Variant of Uncertain Significance.

NM_006363.6(SEC23B):c.1366A>G (p.Thr456Ala)

Gene: SEC23B (SEC23 homolog B, COPII component; plus strand). Cytogenetic location: 20p11.23.
Variant type: single nucleotide variant.
Coding change: c.1366A>G on transcript NM_006363.6 (MANE Select); coding-DNA position 1366, A replaced by G.
Protein change: p.Thr456Ala; replaces threonine 456 with alanine.
Molecular consequence: missense variant.
Genome position (GRCh38, 1-based): chr20:18,535,704, A>G. VCF-style: chr20-18535704-A-G. GRCh37 (hg19) VCF-style: chr20-18516348-A-G.
Other names: c.1366A>G, p.Thr456Ala (NM_001172745.3, NM_032985.6, NM_032986.5); c.1312A>G, p.Thr438Ala (NM_001172746.3); short protein forms T438A, T456A.
Identifiers: ClinVar variation 4790393 (VCV004790393.1).